The following is an entry in ClinVar:

ClinVar aggregate classification (germline): Pathogenic. Review status: criteria provided, multiple submitters, no conflicts (2 of 4 stars). 4 submissions from 4 submitters: Pathogenic (2). 2 of the submissions do not count toward it. Last evaluated 2025-07-13.

Conditions:
Autosomal recessive limb-girdle muscular dystrophy type 2B (LGMDR2). Also called: MUSCULAR DYSTROPHY, LIMB-GIRDLE, AUTOSOMAL RECESSIVE 2; MUSCULAR DYSTROPHY, LIMB-GIRDLE, TYPE 3; Limb-girdle muscular dystrophy, type 2B; Limb-Girdle Muscular Dystrophy Type 2B (LGMD2B). Identifiers: Orphanet 268, MedGen C1850889, MONDO:0009676, OMIM 253601.
Miyoshi muscular dystrophy 1 (MMD1). Identifiers: Orphanet 45448, MedGen C4551973, MONDO:0024545, OMIM 254130.
Neuromuscular disease caused by qualitative or quantitative defects of dysferlin. Also called: Dysferlinopathy; Qualitative or quantitative defects of dysferlin. Identifiers: Orphanet 207073, MedGen C2931687, MONDO:0016145.

Submissions (4):

Labcorp Genetics (formerly Invitae), Labcorp
Classification: Pathogenic for Neuromuscular disease caused by qualitative or quantitative defects of dysferlin. Last evaluated: 2025-07-13. Review status: criteria provided, single submitter. Criteria: Invitae Variant Classification Sherloc (09022015). Collection method: clinical testing. Allele origin: germline.
Comment: This sequence change creates a premature translational stop signal (p.Gln176*) in the DYSF gene. It is expected to result in an absent or disrupted protein product. Loss-of-function variants in DYSF are known to be pathogenic (PMID: 17698709, 20301480). This variant is not present in population databases (gnomAD no frequency). This premature translational stop signal has been observed in individual(s) with DYSF-related conditions (PMID: 19493611, 25900324). ClinVar contains an entry for this variant (Variation ID: 556201). For these reasons, this variant has been classified as Pathogenic.

Baylor Genetics
Classification: Pathogenic for Miyoshi muscular dystrophy 1. Last evaluated: 2023-07-07. Review status: criteria provided, single submitter. Criteria: ACMG Guidelines, 2015. Collection method: clinical testing. Allele origin: unknown.

Counsyl
Classification: Pathogenic for Autosomal recessive limb-girdle muscular dystrophy type 2B. Last evaluated: 2018-01-18. Review status: no assertion criteria provided. Collection method: clinical testing. Allele origin: unknown. Not counted in ClinVar's aggregate classification.

Department of Genetics, Sultan Qaboos University Hospital
Classification: Pathogenic for Autosomal recessive limb-girdle muscular dystrophy type 2B. Last evaluated: 2017-12-30. Review status: no assertion criteria provided. Collection method: curation. Allele origin: unknown. Affected: yes. Not counted in ClinVar's aggregate classification.

Literature cited by the submitters: PubMed 17698709 (cited by Labcorp Genetics (formerly Invitae), Labcorp); PubMed 20301480 (cited by Labcorp Genetics (formerly Invitae), Labcorp); PubMed 19493611 (cited by Labcorp Genetics (formerly Invitae), Labcorp and Department of Genetics, Sultan Qaboos University Hospital); PubMed 25900324 (cited by Labcorp Genetics (formerly Invitae), Labcorp and Counsyl).

NM_001130987.2(DYSF):c.622C>T (p.Gln208Ter)

Gene: DYSF (dysferlin; plus strand). Cytogenetic location: 2p13.2.
Variant type: single nucleotide variant.
Coding change: c.622C>T on transcript NM_001130987.2 (MANE Select); coding-DNA position 622, C replaced by T.
Protein change: p.Gln208Ter; replaces glutamine 208 with a stop codon.
Molecular consequence: nonsense.
Genome position (GRCh38, 1-based): chr2:71,513,784, C>T. VCF-style: chr2-71513784-C-T. GRCh37 (hg19) VCF-style: chr2-71740914-C-T.
Other names: c.529C>T, p.Gln177Ter (NM_001130455.2, NM_001130983.2, NM_001130984.2 and 1 more transcripts); c.526C>T, p.Gln176Ter (NM_001130976.2, NM_001130977.2, NM_001130978.2 and 1 more transcripts); c.619C>T, p.Gln207Ter (NM_001130979.2, NM_001130980.2, NM_001130981.2); c.622C>T, p.Gln208Ter (NM_001130982.2, NM_001130985.2); short protein forms Q208*, Q176*, Q207*, Q177*.
Identifiers: ClinVar variation 556201 (VCV000556201.11), dbSNP rs1553521017, ClinGen allele CA347207027.